The following is an entry in ClinVar:

NM_006031.6(PCNT):c.8262C>T (p.Thr2754=)

Gene: PCNT (pericentrin; plus strand). Cytogenetic location: 21q22.3.
Variant type: single nucleotide variant.
Coding change: c.8262C>T on transcript NM_006031.6 (MANE Select); coding-DNA position 8262, C replaced by T.
Protein change: p.Thr2754=; no amino-acid change (threonine 2754 retained).
Molecular consequence: synonymous variant.
Genome position (GRCh38, 1-based): chr21:46,431,726, C>T. VCF-style: chr21-46431726-C-T. GRCh37 (hg19) VCF-style: chr21-47851640-C-T.
Other names: c.8262C>T (NM_006031.5); c.7908C>T, p.Thr2636= (NM_001315529.2).
Identifiers: ClinVar variation 2960901 (VCV002960901.4), dbSNP rs1251701731, ClinGen allele CA513175005.
Genomic context (GRCh38, chr21:46,431,726, plus strand): 5'-TCAGGAGCGGAGCCAGCTCTCTGAGCTCCAGAAGGACCTTGCGGCTGAGAAGAGCCGCAC[C>T]CTGGAGCTGTCAGAGGCCTTGCGGCACGAGCGGCTCCTGACCGAGCAGCTGAGCCAGAGG-3'
Protein context (NP_006022.3, residues 2744-2764): QKDLAAEKSR[Thr2754=]LELSEALRHE

ClinVar aggregate classification (germline): Likely benign. Review status: criteria provided, multiple submitters, no conflicts (2 of 4 stars). 2 submissions from 2 submitters: Likely benign (2). Last evaluated 2025-09-03.

Conditions:
PCNT-related disorder. Also called: PCNT-related condition.

Allele frequency attached by ClinVar (database versions not stated): gnomAD exomes below 0.00001; gnomAD 0.00001.
gnomAD v4.1: 4 of 1,612,200 alleles (0.00025%); highest among the groups gnomAD compares: African/African-American, 0.0013%; no homozygotes.

Submissions (2):

PreventionGenetics, part of Exact Sciences
Classification: Likely benign for PCNT-related condition. Last evaluated: 2025-09-03. Review status: criteria provided, single submitter. Criteria: ACMG Guidelines, 2015. Collection method: clinical testing. Allele origin: germline.
Comment: This variant is classified as likely benign based on ACMG/AMP sequence variant interpretation guidelines (Richards et al. 2015 PMID: 25741868, with internal and published modifications).

Labcorp Genetics (formerly Invitae), Labcorp
Classification: Likely benign. Last evaluated: 2023-07-24. Review status: criteria provided, single submitter. Criteria: Invitae Variant Classification Sherloc (09022015). Collection method: clinical testing. Allele origin: germline.